The following is an entry in ClinVar:

ClinVar aggregate classification (germline): Uncertain significance (1 of 4 stars; one submission).

Conditions:
Norman-Roberts syndrome (LIS2). Also called: Lissencephaly 2 (Norman-Roberts type). Identifiers: Orphanet 89844, MedGen C0796089, MONDO:0009760, OMIM 257320.
Familial temporal lobe epilepsy 7. Identifiers: Orphanet 101046, MedGen C4225327, MONDO:0014639, OMIM 616436.

Allele frequency attached by ClinVar (database versions not stated): ExAC 0.00001; gnomAD exomes 0.00001; TOPMed 0.00002; gnomAD 0.00003.
gnomAD v4.1: 8 of 1,613,426 alleles (0.0005%); highest among the groups gnomAD compares: Admixed American, 0.013%; no homozygotes.

Submission:

Labcorp Genetics (formerly Invitae), Labcorp
Classification: Uncertain significance for Familial temporal lobe epilepsy 7; Norman-Roberts syndrome. Last evaluated: 2025-03-19. Review status: criteria provided, single submitter. Criteria: Invitae Variant Classification Sherloc (09022015). Collection method: clinical testing. Allele origin: germline.
Comment: This sequence change replaces tyrosine, which is neutral and polar, with cysteine, which is neutral and slightly polar, at codon 1183 of the RELN protein (p.Tyr1183Cys). This variant is present in population databases (rs765432355, gnomAD 0.006%). This variant has not been reported in the literature in individuals affected with RELN-related conditions. ClinVar contains an entry for this variant (Variation ID: 2925416). Invitae Evidence Modeling of protein sequence and biophysical properties (such as structural, functional, and spatial information, amino acid conservation, physicochemical variation, residue mobility, and thermodynamic stability) indicates that this missense variant is not expected to disrupt RELN protein function with a negative predictive value of 80%. In summary, the available evidence is currently insufficient to determine the role of this variant in disease. Therefore, it has been classified as a Variant of Uncertain Significance.

NM_005045.4(RELN):c.3548A>G (p.Tyr1183Cys)

Gene: RELN (reelin; minus strand). Cytogenetic location: 7q22.1.
Variant type: single nucleotide variant.
Coding change: c.3548A>G on transcript NM_005045.4 (MANE Select); coding-DNA position 3548, A replaced by G.
Protein change: p.Tyr1183Cys; replaces tyrosine 1183 with cysteine.
Molecular consequence: missense variant.
Genome position (GRCh38, 1-based): chr7:103,594,484, T>C on the plus strand (A>G on the coding strand, the complement: RELN is on the minus strand). VCF-style: chr7-103594484-T-C. GRCh37 (hg19) VCF-style: chr7-103234931-T-C.
Other names: c.3548A>G, p.Tyr1183Cys (NM_173054.3); short protein forms Y1183C.
Identifiers: ClinVar variation 2925416 (VCV002925416.3), dbSNP rs765432355, ClinGen allele CA4421719.